The following is an entry in ClinVar:

ClinVar aggregate classification (germline): Pathogenic (1 of 4 stars; one submission).

Conditions:
Intellectual developmental disorder, autosomal dominant 50, with behavioral abnormalities. Also called: Intellectual disability, autosomal dominant 50; MENTAL RETARDATION, AUTOSOMAL DOMINANT 50. Identifiers: MedGen C4540470, MONDO:0030916, OMIM 617787.

Submission:

Victorian Clinical Genetics Services, Murdoch Childrens Research Institute
Classification: Pathogenic for Intellectual developmental disorder, autosomal dominant 50, with behavioral abnormalities. Last evaluated: 2020-05-26. Review status: criteria provided, single submitter. Criteria: ACMG Guidelines, 2015. Collection method: clinical testing. Allele origin: germline. Inheritance: Autosomal dominant inheritance. Affected: yes.
Comment: Based on the classification scheme VCGS_Germline_v1.1.1, this variant is classified as 5-Pathogenic. Following criteria are met: 0102 - Loss-of-function is a suspected mechanism of disease for this gene. (N) 0107 - This gene is known to be associated with autosomal dominant NAA15-related neurodevelopmental disorder. (N) 0201 - Variant is predicted to cause nonsense-mediated decay (NMD) and loss of protein (exon 10 of 20). (P) 0251 - Variant is heterozygous. (N) 0301 - Variant is absent from gnomAD. (P) 0701 - Comparable variants have very strong previous evidence for pathogenicity. Many other NMD predicted variants have been reported in patients with NAA15-related neurodevelopmental disorder (PMID: 28191889; 29656860) (P) 0807 - Variant has not previously been reported in a clinical context. (N) 0905 - No segregation evidence has been identified for this variant. (N) 1007 - No published functional evidence has been identified for this variant in the literature. (P) Legend: (P) - Pathogenic, (N) - Neutral, (B) - Benign

Literature cited by the submitters: PubMed 28191889; PubMed 29656860.

NM_057175.5(NAA15):c.1051del (p.Thr351fs)

Gene: NAA15 (N-alpha-acetyltransferase 15, NatA auxiliary subunit; plus strand). Cytogenetic location: 4q31.1.
Variant type: Deletion.
Coding change: c.1051del on transcript NM_057175.5 (MANE Select); coding-DNA position 1051, one base deleted (A; older notation c.1051delA).
Protein change: p.Thr351fs; shifts the reading frame from threonine 351.
Molecular consequence: frameshift variant.
Genome position (GRCh38, 1-based): chr4:139,354,062, A deleted; the last of 3 consecutive A bases (chr4:139,354,060-139,354,062); deleting any one gives the same sequence. VCF-style (leftmost placement, unchanged base first): chr4-139354059-GA-G. GRCh37 (hg19) VCF-style: chr4-140275213-GA-G.
Other names: short protein forms T351fs.
Identifiers: ClinVar variation 1699231 (VCV001699231.3), dbSNP rs2110941246, ClinGen allele CA923726111.
Genomic context (GRCh38, chr4:139,354,059, plus strand): 5'-AAGTGTGTTTGTGTGTTTGTACTCTAGGTGGCAATCATAGAAGAGTTAGTAGTAGGTTAT[GA>G]AACCTCTCTAAAAAGCTGCCGGTTATTTAACCCCAATGGTAAGTCCTCAAGTTTTATGTT-3'